The following is an entry in ClinVar:

NM_000219.6(KCNE1):c.35T>C (p.Phe12Ser)

Gene: KCNE1 (potassium voltage-gated channel subfamily E regulatory subunit 1; minus strand). Cytogenetic location: 21q22.12.
Variant type: single nucleotide variant.
Coding change: c.35T>C on transcript NM_000219.6 (MANE Select); coding-DNA position 35, T replaced by C.
Protein change: p.Phe12Ser; replaces phenylalanine 12 with serine.
Molecular consequence: missense variant.
Genome position (GRCh38, 1-based): chr21:34,449,600, A>G on the plus strand (T>C on the coding strand, the complement: KCNE1 is on the minus strand). VCF-style: chr21-34449600-A-G. GRCh37 (hg19) VCF-style: chr21-35821898-A-G.
Other names: c.35T>C, p.Phe12Ser (NM_001127668.4, NM_001270403.2, NM_001270404.3 and 4 more transcripts); short protein forms F12S.
Identifiers: ClinVar variation 3373813 (VCV003373813.2).

Conditions:
Long QT syndrome 5 (LQT5). Identifiers: Orphanet 101016, Orphanet 768, MedGen C1867904, MONDO:0013372, OMIM 613695.

Submission:

Roden Lab, Vanderbilt University Medical Center
No classification provided (evidence only). Condition: Long QT syndrome 5. Review status: no classification provided. Collection method: in vitro. Allele origin: not applicable. Functional consequence: Effect on ion channel function.
ClinVar note: "not provided" was previously submitted as the classification for the variant. However, the classification appeared to be based only on an observation of functional data so it was converted to no classification on 2025-07-30.